The following is an entry in ClinVar:

ClinVar aggregate classification (germline): Pathogenic. Review status: criteria provided, multiple submitters, no conflicts (2 of 4 stars). 6 submissions from 6 submitters: Pathogenic (5). 1 of the submissions does not count toward it. Last evaluated 2024-10-04.

Conditions:
PRX-related disorder. Also called: PRX-Related Disorders; PRX-related condition.
Charcot-Marie-Tooth disease. Also called: Charcot-Marie-Tooth Hereditary Neuropathy; Charcot-Marie-Tooth Neuropathy. Identifiers: Orphanet 166, MedGen C0007959, MONDO:0015626.
Charcot-Marie-Tooth disease type 4F. Also called: Charcot-Marie-Tooth disease, demyelinating, type 4F. Identifiers: Orphanet 99952, MedGen C3540453, MONDO:0013959, OMIM 614895.
Dejerine-Sottas disease. Also called: Hereditary motor and sensory neuropathy 3; DEJERINE-SOTTAS NEUROPATHY; Charcot-Marie-Tooth disease type 3; HMSN Type III; HEREDITARY MOTOR AND SENSORY NEUROPATHY TYPE III. Identifiers: Orphanet 64748, MedGen C0011195, MONDO:0007790, OMIM 145900.
Charcot-Marie-Tooth disease type 4. Also called: Charcot-Marie-Tooth, Type 4; Charcot-Marie-Tooth disease, type IV. Identifiers: Orphanet 64749, MedGen C4082197, MONDO:0018995.

Allele frequency attached by ClinVar (database versions not stated): ExAC 0.00002; gnomAD exomes 0.00002 and 0.00004; TOPMed 0.00002; gnomAD 0.00005; ESP Exome Variant Server 0.00015.
gnomAD v4.1: 30 of 1,613,616 alleles (0.0019%); highest among the groups gnomAD compares: South Asian, 0.0011%; no homozygotes.

Submissions (6):

Dubai Health Genomic Medicine Center, Dubai Health
Classification: Pathogenic for Charcot-Marie-Tooth disease. Last evaluated: 2024-10-04. Review status: criteria provided, single submitter. Criteria: ACMG Guidelines, 2015. Collection method: research. Allele origin: germline. Affected: yes.
Comment: PVS1,PM2,PS4

Labcorp Genetics (formerly Invitae), Labcorp
Classification: Pathogenic for Charcot-Marie-Tooth disease type 4. Last evaluated: 2023-12-15. Review status: criteria provided, single submitter. Criteria: Invitae Variant Classification Sherloc (09022015). Collection method: clinical testing. Allele origin: germline.
Comment: This sequence change creates a premature translational stop signal (p.Arg364*) in the PRX gene. While this is not anticipated to result in nonsense mediated decay, it is expected to disrupt the last 1098 amino acid(s) of the PRX protein. This variant is present in population databases (rs144183238, gnomAD 0.04%). This premature translational stop signal has been observed in individuals with Charcot-Marie-Tooth disease (PMID: 21741241, 30724636). ClinVar contains an entry for this variant (Variation ID: 637398). This variant disrupts a region of the PRX protein in which other variant(s) (p.Arg1070*) have been determined to be pathogenic (PMID: 15197604, 15469949, 16770524, 22847150, 26059842). This suggests that this is a clinically significant region of the protein, and that variants that disrupt it are likely to be disease-causing. For these reasons, this variant has been classified as Pathogenic.

Kariminejad - Najmabadi Pathology & Genetics Center
Classification: Pathogenic for Charcot-Marie-Tooth disease type 4F; Dejerine-Sottas disease. Last evaluated: 2023-10-16. Review status: criteria provided, single submitter. Criteria: ACMG Guidelines, 2015. Collection method: clinical testing. Allele origin: germline. Inheritance: Autosomal recessive inheritance. Affected: yes.
Comment: PVS1 PM2 PM3

Clinical Genetics Laboratory, Skane University Hospital Lund
Classification: Pathogenic. Last evaluated: 2022-05-27. Review status: criteria provided, single submitter. Criteria: ACMG Guidelines, 2015. Collection method: clinical testing. Allele origin: germline. Affected: yes.

Blueprint Genetics
Classification: Pathogenic for PRX-related disorders. Last evaluated: 2019-10-15. Review status: criteria provided, single submitter. Criteria: ACMG Guidelines, 2015. Collection method: clinical testing. Allele origin: germline. Affected: yes. Observed: 2 variant alleles.

Inherited Neuropathy Consortium
Classification: Uncertain significance for Charcot-Marie-Tooth disease. Review status: no assertion criteria provided. Collection method: literature only. Allele origin: germline. Affected: yes. Not counted in ClinVar's aggregate classification.

Literature cited by the submitters: PubMed 21741241 (cited by Labcorp Genetics (formerly Invitae), Labcorp and Inherited Neuropathy Consortium); PubMed 30724636 (cited by Labcorp Genetics (formerly Invitae), Labcorp); PubMed 15197604 (cited by Labcorp Genetics (formerly Invitae), Labcorp); PubMed 15469949 (cited by Labcorp Genetics (formerly Invitae), Labcorp); PubMed 16770524 (cited by Labcorp Genetics (formerly Invitae), Labcorp); PubMed 22847150 (cited by Labcorp Genetics (formerly Invitae), Labcorp); PubMed 26059842 (cited by Labcorp Genetics (formerly Invitae), Labcorp).

NM_181882.3(PRX):c.1090C>T (p.Arg364Ter)

Gene: PRX (periaxin; minus strand). Cytogenetic location: 19q13.2.
Variant type: single nucleotide variant.
Coding change: c.1090C>T on transcript NM_181882.3 (MANE Select); coding-DNA position 1090, C replaced by T.
Protein change: p.Arg364Ter; replaces arginine 364 with a stop codon.
Molecular consequence: nonsense. On other transcripts: 3 prime UTR variant (1).
Genome position (GRCh38, 1-based): chr19:40,397,262, G>A on the plus strand (C>T on the coding strand, the complement: PRX is on the minus strand). VCF-style: chr19-40397262-G-A. GRCh37 (hg19) VCF-style: chr19-40903169-G-A.
Other names: c.*1295C>T (NM_020956.2); short protein forms R364*.
Identifiers: ClinVar variation 637398 (VCV000637398.37), dbSNP rs144183238, ClinGen allele CA9444329.